The following is an entry in ClinVar:

NM_002332.3(LRP1):c.8457C>T (p.Asp2819=)

Gene: LRP1 (LDL receptor related protein 1; plus strand). Cytogenetic location: 12q13.3.
Variant type: single nucleotide variant.
Coding change: c.8457C>T on transcript NM_002332.3 (MANE Select); coding-DNA position 8457, C replaced by T.
Protein change: p.Asp2819=; no amino-acid change (aspartic acid 2819 retained).
Molecular consequence: synonymous variant.
Genome position (GRCh38, 1-based): chr12:57,195,677, C>T. VCF-style: chr12-57195677-C-T. GRCh37 (hg19) VCF-style: chr12-57589460-C-T.
Identifiers: ClinVar variation 731548 (VCV000731548.30), dbSNP rs147846383, ClinGen allele CA6644398.

ClinVar aggregate classification (germline): Likely benign. Review status: criteria provided, multiple submitters, no conflicts (2 of 4 stars). 4 submissions from 4 submitters: Likely benign (4). Last evaluated 2024-10-18.

Allele frequency attached by ClinVar (database versions not stated): gnomAD exomes 0.00137 and 0.00190; 1000 Genomes Project 30x 0.00016; 1000 Genomes Project 0.00020; gnomAD 0.00093 and 0.00096; TOPMed 0.00094; ESP Exome Variant Server 0.00108; ExAC 0.00147.
gnomAD v4.1: 2,880 of 1,614,086 alleles (0.18%); highest among the groups gnomAD compares: Non-Finnish European, 0.22%; 1 homozygote.

Submissions (4):

Blueprint Genetics
Classification: Likely benign. Last evaluated: 2024-10-18. Review status: criteria provided, single submitter. Criteria: ACMG Guidelines, 2015. Collection method: clinical testing. Allele origin: germline.

CeGaT Center for Human Genetics Tuebingen
Classification: Likely benign. Last evaluated: 2022-10-01. Review status: criteria provided, single submitter. Criteria: CeGaT Center For Human Genetics Tuebingen Variant Classification Criteria Version 2. Collection method: clinical testing. Allele origin: germline. Affected: yes. Observed: 1 variant allele.
Comment: LRP1: BP4, BP7

Labcorp Genetics (formerly Invitae), Labcorp
Classification: Likely benign. Last evaluated: 2019-12-31. Review status: criteria provided, single submitter. Criteria: Invitae Variant Classification Sherloc (09022015). Collection method: clinical testing. Allele origin: germline.

Breakthrough Genomics
Classification: Likely benign. Review status: criteria provided, single submitter. Criteria: ACMG Guidelines, 2015. Collection method: not provided. Allele origin: germline. Inheritance: Autosomal recessive inheritance. Affected: yes.